The following is an entry in ClinVar:

ClinVar aggregate classification (germline): Uncertain significance (1 of 4 stars; one submission).

Submission:

Labcorp Genetics (formerly Invitae), Labcorp
Classification: Uncertain significance. Last evaluated: 2024-12-25. Review status: criteria provided, single submitter. Criteria: Invitae Variant Classification Sherloc (09022015). Collection method: clinical testing. Allele origin: germline.
Comment: This sequence change replaces isoleucine, which is neutral and non-polar, with methionine, which is neutral and non-polar, at codon 623 of the ABL1 protein (p.Ile623Met). This variant is not present in population databases (gnomAD no frequency). This variant has not been reported in the literature in individuals affected with ABL1-related conditions. Invitae Evidence Modeling of protein sequence and biophysical properties (such as structural, functional, and spatial information, amino acid conservation, physicochemical variation, residue mobility, and thermodynamic stability) indicates that this missense variant is not expected to disrupt ABL1 protein function with a negative predictive value of 95%. In summary, the available evidence is currently insufficient to determine the role of this variant in disease. Therefore, it has been classified as a Variant of Uncertain Significance.

NM_005157.6(ABL1):c.1812C>G (p.Ile604Met)

Gene: ABL1 (ABL proto-oncogene 1, non-receptor tyrosine kinase; plus strand). Cytogenetic location: 9q34.12.
Variant type: single nucleotide variant.
Coding change: c.1812C>G on transcript NM_005157.6 (MANE Select); coding-DNA position 1812, C replaced by G.
Protein change: p.Ile604Met; replaces isoleucine 604 with methionine.
Molecular consequence: missense variant.
Genome position (GRCh38, 1-based): chr9:130,884,102, C>G. VCF-style: chr9-130884102-C-G. GRCh37 (hg19) VCF-style: chr9-133759489-C-G.
Other names: c.1869C>G, p.Ile623Met (NM_007313.3); short protein forms I604M, I623M.
Identifiers: ClinVar variation 3635936 (VCV003635936.2).